The following is an entry in ClinVar:

ClinVar aggregate classification (germline): Uncertain significance. Review status: criteria provided, multiple submitters, no conflicts (2 of 4 stars). 2 submissions from 2 submitters: Uncertain significance (2). Last evaluated 2025-08-19.

Conditions:
Inborn genetic diseases. Identifiers: MedGen C0950123, MeSH D030342.

Allele frequency attached by ClinVar (database versions not stated): gnomAD 0.00001; TOPMed 0.00023.

Submissions (2):

Ambry Genetics
Classification: Uncertain significance for Inborn genetic diseases. Last evaluated: 2025-08-19. Review status: criteria provided, single submitter. Criteria: Ambry Variant Classification Scheme 2023. Collection method: clinical testing. Allele origin: germline.

Labcorp Genetics (formerly Invitae), Labcorp
Classification: Uncertain significance. Last evaluated: 2023-05-11. Review status: criteria provided, single submitter. Criteria: Invitae Variant Classification Sherloc (09022015). Collection method: clinical testing. Allele origin: germline.
Comment: In summary, the available evidence is currently insufficient to determine the role of this variant in disease. Therefore, it has been classified as a Variant of Uncertain Significance. Advanced modeling of protein sequence and biophysical properties (such as structural, functional, and spatial information, amino acid conservation, physicochemical variation, residue mobility, and thermodynamic stability) performed at Invitae indicates that this missense variant is not expected to disrupt CPOX protein function. This variant has not been reported in the literature in individuals affected with CPOX-related conditions. This variant is present in population databases (rs762851939, gnomAD 0.0009%). This sequence change replaces aspartic acid, which is acidic and polar, with glutamic acid, which is acidic and polar, at codon 196 of the CPOX protein (p.Asp196Glu).

NM_000097.7(CPOX):c.588T>A (p.Asp196Glu)

Gene: CPOX (coproporphyrinogen oxidase; minus strand). Cytogenetic location: 3q11.2.
Variant type: single nucleotide variant.
Coding change: c.588T>A on transcript NM_000097.7 (MANE Select); coding-DNA position 588, T replaced by A.
Protein change: p.Asp196Glu; replaces aspartic acid 196 with glutamic acid.
Molecular consequence: missense variant.
Genome position (GRCh38, 1-based): chr3:98,591,124, A>T on the plus strand (T>A on the coding strand, the complement: CPOX is on the minus strand). VCF-style: chr3-98591124-A-T. GRCh37 (hg19) VCF-style: chr3-98309968-A-T.
Other names: c.588T>A (NM_000097.5); short protein forms D196E.
Identifiers: ClinVar variation 3017578 (VCV003017578.4), dbSNP rs762851939, ClinGen allele CA2511667.
Genomic context (GRCh38, chr3:98,591,124, plus strand): 5'-CTCTGAAAGATTTCCATGAACAACAGAAATGCTCACCCCAGCCTTTTCGAAAACACACCC[A>T]TCTTGAAGTACACAGCTGATGCCGCCACCTCCTGTGTATAGAAATGTAAAAAAGGAGAGA-3'
Protein context (NP_000088.3, residues 186-206): GGGGISCVLQ[Asp196Glu]GCVFEKAGVS